The following is an entry in ClinVar:

ClinVar aggregate classification (germline): Uncertain significance (1 of 4 stars; one submission).

Allele frequency attached by ClinVar (database versions not stated): gnomAD 0.00001.

Submission:

GeneDx
Classification: Uncertain significance. Last evaluated: 2022-02-06. Review status: criteria provided, single submitter. Criteria: GeneDx Variant Classification Process June 2021. Collection method: clinical testing. Allele origin: germline. Affected: yes.
Comment: Not observed at significant frequency in large population cohorts (gnomAD); In silico analysis supports that this missense variant does not alter protein structure/function; Has not been previously published as pathogenic or benign to our knowledge

NM_021098.3(CACNA1H):c.4423G>C (p.Ala1475Pro)

Gene: CACNA1H (calcium voltage-gated channel subunit alpha1 H; plus strand). Cytogenetic location: 16p13.3.
Variant type: single nucleotide variant.
Coding change: c.4423G>C on transcript NM_021098.3 (MANE Select); coding-DNA position 4423, G replaced by C.
Protein change: p.Ala1475Pro; replaces alanine 1475 with proline.
Molecular consequence: missense variant.
Genome position (GRCh38, 1-based): chr16:1,211,553, G>C. VCF-style: chr16-1211553-G-C. GRCh37 (hg19) VCF-style: chr16-1261553-G-C.
Other names: c.4423G>C, p.Ala1475Pro (NM_001005407.2); short protein forms A1475P.
Identifiers: ClinVar variation 1700431 (VCV001700431.2), dbSNP rs1344413563, ClinGen allele CA394179121.